The following is an entry in ClinVar:

NM_001367805.3(KIF23):c.2344A>G (p.Met782Val)

Gene: KIF23 (kinesin family member 23; plus strand). Cytogenetic location: 15q23.
Variant type: single nucleotide variant.
Coding change: c.2344A>G on transcript NM_001367805.3 (MANE Select); coding-DNA position 2344, A replaced by G.
Protein change: p.Met782Val; replaces methionine 782 with valine.
Molecular consequence: missense variant. On other transcripts: non-coding transcript variant (1), intron variant (1).
Genome position (GRCh38, 1-based): chr15:69,441,002, A>G. VCF-style: chr15-69441002-A-G. GRCh37 (hg19) VCF-style: chr15-69733341-A-G.
Other names: c.1972A>G, p.Met658Val (NM_001281301.2); c.2302A>G, p.Met768Val (NM_001367804.2, NM_138555.4); c.2067+515A>G (NM_004856.7); short protein forms M658V, M782V, M768V.
Identifiers: ClinVar variation 3728008 (VCV003728008.2).

ClinVar aggregate classification (germline): Uncertain significance (1 of 4 stars; one submission).

gnomAD v4.1: 1 of 1,614,222 alleles (0.000062%); highest among the groups gnomAD compares: East Asian, 0.0022%; no homozygotes.

Submission:

Labcorp Genetics (formerly Invitae), Labcorp
Classification: Uncertain significance. Last evaluated: 2025-03-06. Review status: criteria provided, single submitter. Criteria: Invitae Variant Classification Sherloc (09022015). Collection method: clinical testing. Allele origin: germline.
Comment: This sequence change replaces methionine, which is neutral and non-polar, with valine, which is neutral and non-polar, at codon 768 of the KIF23 protein (p.Met768Val). This variant is present in population databases (rs779782790, gnomAD 0.006%). This variant has not been reported in the literature in individuals affected with KIF23-related conditions. An algorithm developed to predict the effect of missense changes on protein structure and function (PolyPhen-2) suggests that this variant is likely to be tolerated. In summary, the available evidence is currently insufficient to determine the role of this variant in disease. Therefore, it has been classified as a Variant of Uncertain Significance.